The following is an entry in ClinVar:

NM_001110556.2(FLNA):c.2876G>A (p.Ser959Asn)

Gene: FLNA (filamin A; minus strand). Cytogenetic location: Xq28.
Variant type: single nucleotide variant.
Coding change: c.2876G>A on transcript NM_001110556.2 (MANE Select); coding-DNA position 2876, G replaced by A.
Protein change: p.Ser959Asn; replaces serine 959 with asparagine.
Molecular consequence: missense variant.
Genome position (GRCh38, 1-based): chrX:154,361,738, C>T on the plus strand (G>A on the coding strand, the complement: FLNA is on the minus strand). VCF-style: chrX-154361738-C-T. GRCh37 (hg19) VCF-style: chrX-153590106-C-T.
Other names: c.2876G>A, p.Ser959Asn (NM_001456.4); c.2876G>A (NM_001110556.1); short protein forms S959N.
Identifiers: ClinVar variation 1678791 (VCV001678791.4), dbSNP rs782104597, ClinGen allele CA10560814.

ClinVar aggregate classification (germline): Benign/Likely benign. Review status: criteria provided, multiple submitters, no conflicts (2 of 4 stars). 3 submissions from 3 submitters: Benign (1); Likely benign (2). Last evaluated 2026-01-27.

Conditions:
FLNA-related disorder.
Heterotopia, periventricular, X-linked dominant (PVNH1). Also called: PERIVENTRICULAR NODULAR HETEROTOPIA 1; X-linked periventricular heterotopia; PERIVENTRICULAR NODULAR HETEROTOPIA 4; HETEROTOPIA, PERIVENTRICULAR, 1. Identifiers: Orphanet 2149, Orphanet 82004, MedGen C1848213, MONDO:0010233, OMIM 300049.
Melnick-Needles syndrome (MNS). Also called: OSTEODYSPLASTY OF MELNICK AND NEEDLES; Melnick-Needles Syndrome (FLNA-MNS); MELNICK-NEEDLES OSTEODYSPLASTY. Identifiers: Orphanet 2484, MedGen C0025237, MONDO:0010650, OMIM 309350.
Oto-palato-digital syndrome, type II (OPD2). Also called: OPD II SYNDROME; FACIOPALATOOSSEOUS SYNDROME; Otopalatodigital Syndrome Type 2 (FLNA-OPD2); Otopalatodigital Syndrome, Type II. Identifiers: Orphanet 669, Orphanet 90652, MedGen C1844696, MONDO:0010571, OMIM 304120.
Frontometaphyseal dysplasia (FMD1). Identifiers: Orphanet 1826, MedGen C0265293, MONDO:0015942.

Allele frequency attached by ClinVar (database versions not stated): gnomAD exomes 0.00002; gnomAD 0.00003; TOPMed 0.00006; 1000 Genomes Project 30x 0.00042.

Submissions (3):

Labcorp Genetics (formerly Invitae), Labcorp
Classification: Benign for Oto-palato-digital syndrome, type II; Heterotopia, periventricular, X-linked dominant; Frontometaphyseal dysplasia; Melnick-Needles syndrome. Last evaluated: 2026-01-27. Review status: criteria provided, single submitter. Criteria: Invitae Variant Classification Sherloc (09022015). Collection method: clinical testing. Allele origin: germline.

PreventionGenetics, part of Exact Sciences
Classification: Likely benign for FLNA-related condition. Last evaluated: 2026-01-20. Review status: criteria provided, single submitter. Criteria: ACMG Guidelines, 2015. Collection method: clinical testing. Allele origin: germline.
Comment: This variant is classified as likely benign based on ACMG/AMP sequence variant interpretation guidelines (Richards et al. 2015 PMID: 25741868, with internal and published modifications).

GeneDx
Classification: Likely benign. Last evaluated: 2018-09-28. Review status: criteria provided, single submitter. Criteria: GeneDx Variant Classification Process June 2021. Collection method: clinical testing. Allele origin: germline. Affected: yes.
Comment: See Variant Classification Assertion Criteria.